The following is an entry in ClinVar:

ClinVar aggregate classification (germline): Likely benign. Review status: criteria provided, multiple submitters, no conflicts (2 of 4 stars). 2 submissions from 2 submitters: Likely benign (2). Last evaluated 2026-04-25.

Conditions:
GLIS3-related disorder. Also called: GLIS3-related condition.

gnomAD v4.1: 6 of 1,613,602 alleles (0.00037%); highest among the groups gnomAD compares: South Asian, 0.0011%; no homozygotes.

Submissions (2):

PreventionGenetics, part of Exact Sciences
Classification: Likely benign for GLIS3-related condition. Last evaluated: 2026-04-25. Review status: criteria provided, single submitter. Criteria: ACMG Guidelines, 2015. Collection method: clinical testing. Allele origin: germline.
Comment: This variant is classified as likely benign based on ACMG/AMP sequence variant interpretation guidelines (Richards et al. 2015 PMID: 25741868, with internal and published modifications).

Labcorp Genetics (formerly Invitae), Labcorp
Classification: Likely benign. Last evaluated: 2025-02-01. Review status: criteria provided, single submitter. Criteria: Invitae Variant Classification Sherloc (09022015). Collection method: clinical testing. Allele origin: germline.

NM_001042413.2(GLIS3):c.2297+9A>G

Gene: GLIS3 (GLIS family zinc finger 3; minus strand). Cytogenetic location: 9p24.2.
Variant type: single nucleotide variant.
Coding change: c.2297+9A>G on transcript NM_001042413.2 (MANE Select); 9 bases into the intron after coding-DNA position 2297, A replaced by G.
Molecular consequence: intron variant.
Genome position (GRCh38, 1-based): chr9:3,879,418, T>C on the plus strand (A>G on the coding strand, the complement: GLIS3 is on the minus strand). VCF-style: chr9-3879418-T-C. GRCh37 (hg19) VCF-style: chr9-3879418-T-C.
Other names: c.1832+9A>G (NM_152629.4); c.2297+9A>G (NM_001042413.1).
Identifiers: ClinVar variation 3699286 (VCV003699286.3).